The following is an entry in ClinVar:

NM_000038.6(APC):c.7663_7666del (p.Ser2555fs)

Gene: APC (APC regulator of Wnt signaling pathway; plus strand). Cytogenetic location: 5q22.2.
Variant type: Deletion.
Coding change: c.7663_7666del on transcript NM_000038.6 (MANE Select); coding-DNA positions 7663 to 7666, 4 bases deleted (TCAT; older notation c.7663_7666delTCAT).
Protein change: p.Ser2555fs; shifts the reading frame from serine 2555.
Molecular consequence: frameshift variant. On other transcripts: non-coding transcript variant (2).
Genome position (GRCh38, 1-based): chr5:112,843,257-112,843,260, TCAT deleted; deleting any 4 consecutive bases within chr5:112,843,254-112,843,260 gives the same sequence; the c. name uses the placement nearest the transcript's 3' end. VCF-style (leftmost placement, unchanged base first): chr5-112843253-ACATT-A. GRCh37 (hg19) VCF-style: chr5-112178950-ACATT-A.
Other names: c.7663_7666del, p.Ser2555fs (NM_001127510.3, NM_001354895.2, NM_001407450.1); c.7609_7612del, p.Ser2537fs (NM_001127511.3); c.7717_7720del, p.Ser2573fs (NM_001354896.2, NM_001407447.1, NM_001407448.1 and 1 more transcripts); c.7693_7696del, p.Ser2565fs (NM_001354897.2); c.7588_7591del, p.Ser2530fs (NM_001354898.2); c.7579_7582del, p.Ser2527fs (NM_001354899.2); c.7540_7543del, p.Ser2514fs (NM_001354900.2); c.7486_7489del, p.Ser2496fs (NM_001354901.2, NM_001407453.1); and 11 more; short protein forms S2171fs, S2272fs, S2395fs, S2426fs, S2429fs, S2454fs, S2464fs, S2472fs.
Identifiers: ClinVar variation 2583678 (VCV002583678.1), dbSNP rs2533810397, ClinGen allele CA2582341631.

ClinVar aggregate classification (germline): Pathogenic (1 of 4 stars; one submission).

Conditions:
Familial adenomatous polyposis 1 (FAP1). Also called: POLYPOSIS, ADENOMATOUS INTESTINAL; FAMILIAL ADENOMATOUS POLYPOSIS 1, ATTENUATED. Identifiers: MedGen C2713442, MONDO:0021056, OMIM 175100. Disease mechanism: loss of function.

Submission:

Myriad Genetics, Inc.
Classification: Pathogenic for Familial adenomatous polyposis 1. Last evaluated: 2023-05-16. Review status: criteria provided, single submitter. Criteria: Myriad Autosomal Dominant, Autosomal Recessive and X-Linked Classification Criteria (2023). Collection method: clinical testing. Allele origin: unknown.
Comment: This variant is considered pathogenic. This variant creates a frameshift predicted to result in premature protein truncation.